The following is an entry in ClinVar:

NM_015404.4(WHRN):c.2673G>C (p.Lys891Asn)

Gene: WHRN (whirlin; minus strand). Cytogenetic location: 9q32.
Variant type: single nucleotide variant.
Coding change: c.2673G>C on transcript NM_015404.4 (MANE Select); coding-DNA position 2673, G replaced by C.
Protein change: p.Lys891Asn; replaces lysine 891 with asparagine.
Molecular consequence: missense variant.
Genome position (GRCh38, 1-based): chr9:114,402,805, C>G on the plus strand (G>C on the coding strand, the complement: WHRN is on the minus strand). VCF-style: chr9-114402805-C-G. GRCh37 (hg19) VCF-style: chr9-117165085-C-G.
Other names: c.1524G>C, p.Lys508Asn (NM_001083885.3); c.2670G>C, p.Lys890Asn (NM_001173425.2); c.1620G>C, p.Lys540Asn (NM_001346890.1); short protein forms K891N, K508N, K540N, K890N.
Identifiers: ClinVar variation 1388097 (VCV001388097.8), dbSNP rs1834766525, ClinGen allele CA374618834.

ClinVar aggregate classification (germline): Uncertain significance (1 of 4 stars; one submission).

Allele frequency attached by ClinVar (database versions not stated): gnomAD exomes below 0.00001; gnomAD 0.00001.
gnomAD v4.1: 2 of 1,613,976 alleles (0.00012%); highest among the groups gnomAD compares: Non-Finnish European, 0.00017%; no homozygotes.

Submission:

Labcorp Genetics (formerly Invitae), Labcorp
Classification: Uncertain significance. Last evaluated: 2024-11-05. Review status: criteria provided, single submitter. Criteria: Invitae Variant Classification Sherloc (09022015). Collection method: clinical testing. Allele origin: germline.
Comment: This sequence change replaces lysine, which is basic and polar, with asparagine, which is neutral and polar, at codon 891 of the WHRN protein (p.Lys891Asn). This variant is not present in population databases (gnomAD no frequency). This variant has not been reported in the literature in individuals affected with WHRN-related conditions. ClinVar contains an entry for this variant (Variation ID: 1388097). An algorithm developed to predict the effect of missense changes on protein structure and function (PolyPhen-2) suggests that this variant is likely to be disruptive. In summary, the available evidence is currently insufficient to determine the role of this variant in disease. Therefore, it has been classified as a Variant of Uncertain Significance.